The following is an entry in ClinVar:

NM_004260.4(RECQL4):c.1751TGG[1] (p.Val585del)

Gene: RECQL4 (RecQ like helicase 4; minus strand). Cytogenetic location: 8q24.3.
Variant type: Microsatellite.
Coding change: c.1751TGG[1] on transcript NM_004260.4 (MANE Select); one copy of the 3-base unit TGG starting at c.1751; the reference has two copies in a row; one copy, 3 bases deleted.
Protein change: p.Val585del; deletes valine 585.
Molecular consequence: inframe deletion.
Genome position (GRCh38, 1-based): chr8:144,514,311-144,514,313, CCA deleted on the plus strand (TGG on the coding strand, the reverse complement: RECQL4 is on the minus strand); deleting any 3 consecutive bases within chr8:144,514,311-144,514,316 gives the same sequence; the position shown is the placement nearest the transcript's 3' end. VCF-style (leftmost placement, unchanged base first): chr8-144514310-CCCA-C. GRCh37 (hg19) VCF-style: chr8-145739694-CCCA-C.
Other names: short protein forms V585del.
Identifiers: ClinVar variation 1517233 (VCV001517233.6), dbSNP rs2130696350, ClinGen allele CA2580616026.

ClinVar aggregate classification (germline): Uncertain significance (1 of 4 stars; one submission).

Conditions:
Baller-Gerold syndrome (BGS). Also called: CRANIOSYNOSTOSIS WITH RADIAL DEFECTS. Identifiers: Orphanet 1225, MedGen C0265308, MONDO:0009039, OMIM 218600.

Submission:

Labcorp Genetics (formerly Invitae), Labcorp
Classification: Uncertain significance for Baller-Gerold syndrome. Last evaluated: 2021-03-17. Review status: criteria provided, single submitter. Criteria: Invitae Variant Classification Sherloc (09022015). Collection method: clinical testing. Allele origin: germline.
Comment: In summary, the available evidence is currently insufficient to determine the role of this variant in disease. Therefore, it has been classified as a Variant of Uncertain Significance. Experimental studies and prediction algorithms are not available or were not evaluated, and the functional significance of this variant is currently unknown. This variant has not been reported in the literature in individuals with RECQL4-related conditions. This variant is not present in population databases (ExAC no frequency). This variant, c.1754_1756del, results in the deletion of 1 amino acid(s) of the RECQL4 protein (p.Val585del), but otherwise preserves the integrity of the reading frame.